The following is an entry in ClinVar:

NM_145038.5(DRC1):c.1976del (p.Ser659fs)

Gene: DRC1 (dynein regulatory complex subunit 1; plus strand). Cytogenetic location: 2p23.3.
Variant type: Deletion.
Coding change: c.1976del on transcript NM_145038.5 (MANE Select); coding-DNA position 1976, one base deleted (C; older notation c.1976delC).
Protein change: p.Ser659fs; shifts the reading frame from serine 659.
Molecular consequence: frameshift variant.
Genome position (GRCh38, 1-based): chr2:26,454,703, C deleted. VCF-style (leftmost placement, unchanged base first): chr2-26454702-TC-T. GRCh37 (hg19) VCF-style: chr2-26677570-TC-T.
Other names: short protein forms S659fs.
Identifiers: ClinVar variation 1034291 (VCV001034291.3), dbSNP rs772974990, ClinGen allele CA1562465.

ClinVar aggregate classification (germline): Pathogenic. Review status: criteria provided, multiple submitters, no conflicts (2 of 4 stars). 2 submissions from 2 submitters: Pathogenic (2). Last evaluated 2024-05-17.

Conditions:
Primary ciliary dyskinesia 21. Also called: CILIARY DYSKINESIA, PRIMARY, 21, WITHOUT SITUS INVERSUS. Identifiers: Orphanet 244, MedGen C3809087, MONDO:0014123, OMIM 615294.
Primary ciliary dyskinesia. Also called: Ciliary dyskinesia. Identifiers: Orphanet 244, MedGen C0008780, MONDO:0016575, HP:0012265.

Allele frequency attached by ClinVar (database versions not stated): ExAC 0.00001; gnomAD exomes 0.00001.

Submissions (2):

Labcorp Genetics (formerly Invitae), Labcorp
Classification: Pathogenic for Primary ciliary dyskinesia. Last evaluated: 2024-05-17. Review status: criteria provided, single submitter. Criteria: Invitae Variant Classification Sherloc (09022015). Collection method: clinical testing. Allele origin: germline.
Comment: This sequence change creates a premature translational stop signal (p.Ser659Trpfs*7) in the DRC1 gene. It is expected to result in an absent or disrupted protein product. Loss-of-function variants in DRC1 are known to be pathogenic (PMID: 23354437, 31960620). This variant is present in population databases (rs772974990, gnomAD 0.0009%). This variant has not been reported in the literature in individuals affected with DRC1-related conditions. ClinVar contains an entry for this variant (Variation ID: 1034291). For these reasons, this variant has been classified as Pathogenic.

Baylor Genetics
Classification: Pathogenic for Primary ciliary dyskinesia 21. Last evaluated: 2018-01-03. Review status: criteria provided, single submitter. Criteria: ACMG Guidelines, 2015. Collection method: clinical testing. Allele origin: maternal. Affected: yes.
Comment: This variant was determined to be pathogenic according to ACMG Guidelines, 2015 [PMID:25741868].

Literature cited by the submitters: PubMed 23354437 (cited by Labcorp Genetics (formerly Invitae), Labcorp); PubMed 31960620 (cited by Labcorp Genetics (formerly Invitae), Labcorp).